The following is an entry in ClinVar:

NM_007186.6(CEP250):c.3091C>T (p.Gln1031Ter)

Gene: CEP250 (centrosomal protein 250; plus strand). Cytogenetic location: 20q11.22.
Variant type: single nucleotide variant.
Coding change: c.3091C>T on transcript NM_007186.6 (MANE Select); coding-DNA position 3091, C replaced by T.
Protein change: p.Gln1031Ter; replaces glutamine 1031 with a stop codon.
Molecular consequence: nonsense.
Genome position (GRCh38, 1-based): chr20:35,494,581, C>T. VCF-style: chr20-35494581-C-T. GRCh37 (hg19) VCF-style: chr20-34082408-C-T.
Other names: c.3091C>T (NM_007186.5); c.1195C>T, p.Gln399Ter (NM_001318219.1); short protein forms Q1031*, Q399*.
Identifiers: ClinVar variation 1070351 (VCV001070351.5), dbSNP rs1243282597, ClinGen allele CA408742061.

ClinVar aggregate classification (germline): Pathogenic/Likely pathogenic. Review status: criteria provided, multiple submitters, no conflicts (2 of 4 stars). 2 submissions from 2 submitters: Pathogenic (1); Likely pathogenic (1). Last evaluated 2024-02-16.

Conditions:
CEP250-related disorder. Also called: CEP250-related condition.

Allele frequency attached by ClinVar (database versions not stated): gnomAD exomes below 0.00001 and 0.00001; TOPMed below 0.00001.
gnomAD v4.1: 6 of 1,614,072 alleles (0.00037%); highest among the groups gnomAD compares: Non-Finnish European, 0.00042%; no homozygotes.

Submissions (2):

Labcorp Genetics (formerly Invitae), Labcorp
Classification: Pathogenic. Last evaluated: 2024-02-16. Review status: criteria provided, single submitter. Criteria: Invitae Variant Classification Sherloc (09022015). Collection method: clinical testing. Allele origin: germline.
Comment: This sequence change creates a premature translational stop signal (p.Gln1031*) in the CEP250 gene. It is expected to result in an absent or disrupted protein product. Loss-of-function variants in CEP250 are known to be pathogenic (PMID: 24780881, 29718797). This variant is present in population databases (no rsID available, gnomAD 0.002%). This variant has not been reported in the literature in individuals affected with CEP250-related conditions. ClinVar contains an entry for this variant (Variation ID: 1070351). For these reasons, this variant has been classified as Pathogenic.

PreventionGenetics, part of Exact Sciences
Classification: Likely pathogenic for CEP250-related condition. Last evaluated: 2022-12-19. Review status: criteria provided, single submitter. Criteria: ACMG Guidelines, 2015. Collection method: clinical testing. Allele origin: germline.
Comment: The CEP250 c.3091C>T variant is predicted to result in premature protein termination (p.Gln1031*). To our knowledge this variant has not been reported in the literature. This variant is reported in 0.00088% of alleles in individuals of European (Non-Finnish) descent in gnomAD. Nonsense variants in CEP250 are expected to be pathogenic, and therefore we interpret c.3091C>T (p.Gln1031*) as likely pathogenic.

Literature cited by the submitters: PubMed 24780881 (cited by Labcorp Genetics (formerly Invitae), Labcorp); PubMed 29718797 (cited by Labcorp Genetics (formerly Invitae), Labcorp).